The following is an entry in ClinVar:

NM_001365276.2(TNXB):c.7924G>T (p.Asp2642Tyr)

Gene: TNXB (tenascin XB; minus strand). Cytogenetic location: 6p21.33.
Variant type: single nucleotide variant.
Coding change: c.7924G>T on transcript NM_001365276.2 (MANE Select); coding-DNA position 7924, G replaced by T.
Protein change: p.Asp2642Tyr; replaces aspartic acid 2642 with tyrosine.
Molecular consequence: missense variant.
Genome position (GRCh38, 1-based): chr6:32,056,805, C>A on the plus strand (G>T on the coding strand, the complement: TNXB is on the minus strand). VCF-style: chr6-32056805-C-A. GRCh37 (hg19) VCF-style: chr6-32024582-C-A.
Other names: c.8665G>T, p.Asp2889Tyr (NM_001428335.1); c.7924G>T, p.Asp2642Tyr (NM_019105.8); short protein forms D2889Y, D2642Y.
Identifiers: ClinVar variation 3809355 (VCV003809355.1).

ClinVar aggregate classification (germline): Uncertain significance (1 of 4 stars; one submission).

Conditions:
Cardiovascular phenotype. Identifiers: MedGen CN230736.

Submission:

Ambry Genetics
Classification: Uncertain significance for Cardiovascular phenotype. Last evaluated: 2025-02-06. Review status: criteria provided, single submitter. Criteria: Ambry Variant Classification Scheme 2023. Collection method: clinical testing. Allele origin: germline.
Comment: The p.D2642Y variant (also known as c.7924G>T), located in coding exon 22 of the TNXB gene, results from a G to T substitution at nucleotide position 7924. The aspartic acid at codon 2642 is replaced by tyrosine, an amino acid with highly dissimilar properties. This amino acid position is conserved. In addition, this alteration is predicted to be tolerated by in silico analysis. Based on the available evidence, the clinical significance of this variant remains unclear.